The following is an entry in ClinVar:

NM_003647.3(DGKE):c.851G>C (p.Gly284Ala)

Gene: DGKE (diacylglycerol kinase epsilon; plus strand). Cytogenetic location: 17q22.
Variant type: single nucleotide variant.
Coding change: c.851G>C on transcript NM_003647.3 (MANE Select); coding-DNA position 851, G replaced by C.
Protein change: p.Gly284Ala; replaces glycine 284 with alanine.
Molecular consequence: missense variant.
Genome position (GRCh38, 1-based): chr17:56,848,028, G>C. VCF-style: chr17-56848028-G-C. GRCh37 (hg19) VCF-style: chr17-54925389-G-C.
Other names: p.Gly284Ala; short protein forms G284A.
Identifiers: ClinVar variation 3380507 (VCV003380507.1).

ClinVar aggregate classification (germline): Uncertain significance (1 of 4 stars; one submission).

gnomAD v4.1: 1 of 1,595,040 alleles (0.000063%); highest among the groups gnomAD compares: Middle Eastern, 0.017%; no homozygotes.

Submission:

Mayo Clinic Laboratories, Mayo Clinic
Classification: Uncertain significance. Last evaluated: 2023-11-15. Review status: criteria provided, single submitter. Criteria: ACMG Guidelines, 2015. Collection method: clinical testing. Allele origin: germline. Observed: 1 variant allele.
Comment: PM2